The following is an entry in ClinVar:

NM_002661.5(PLCG2):c.2800G>C (p.Val934Leu)

Gene: PLCG2 (phospholipase C gamma 2; plus strand). Cytogenetic location: 16q23.3.
Variant type: single nucleotide variant.
Coding change: c.2800G>C on transcript NM_002661.5 (MANE Select); coding-DNA position 2800, G replaced by C.
Protein change: p.Val934Leu; replaces valine 934 with leucine.
Molecular consequence: missense variant.
Genome position (GRCh38, 1-based): chr16:81,934,489, G>C. VCF-style: chr16-81934489-G-C. GRCh37 (hg19) VCF-style: chr16-81968094-G-C.
Other names: short protein forms V934L.
Identifiers: ClinVar variation 999761 (VCV000999761.8), dbSNP rs73598710, ClinGen allele CA396904681.

ClinVar aggregate classification (germline): Uncertain significance (1 of 4 stars; one submission).

Conditions:
Familial cold autoinflammatory syndrome 3 (FCAS3). Also called: FAMILIAL ATYPICAL COLD URTICARIA; ANTIBODY DEFICIENCY AND IMMUNE DYSREGULATION, PLCG2-ASSOCIATED. Identifiers: Orphanet 300359, MedGen C3280914, MONDO:0013766, OMIM 614468.

gnomAD v4.1: 1 of 1,613,598 alleles (0.000062%); highest among the groups gnomAD compares: East Asian, 0.0022%; no homozygotes.

Submission:

Labcorp Genetics (formerly Invitae), Labcorp
Classification: Uncertain significance for Familial cold autoinflammatory syndrome 3. Last evaluated: 2020-11-21. Review status: criteria provided, single submitter. Criteria: Invitae Variant Classification Sherloc (09022015). Collection method: clinical testing. Allele origin: germline.
Comment: In summary, the available evidence is currently insufficient to determine the role of this variant in disease. Therefore, it has been classified as a Variant of Uncertain Significance. Algorithms developed to predict the effect of missense changes on protein structure and function are either unavailable or do not agree on the potential impact of this missense change (SIFT: "Deleterious"; PolyPhen-2: "Possibly Damaging"; Align-GVGD: "Class C0"). This variant has not been reported in the literature in individuals with PLCG2-related conditions. This variant is not present in population databases (ExAC no frequency). This sequence change replaces valine with leucine at codon 934 of the PLCG2 protein (p.Val934Leu). The valine residue is highly conserved and there is a small physicochemical difference between valine and leucine.